The following is an entry in ClinVar:

NM_017617.5(NOTCH1):c.975C>T (p.Asn325=)

Gene: NOTCH1 (notch receptor 1; minus strand). Cytogenetic location: 9q34.3.
Variant type: single nucleotide variant.
Coding change: c.975C>T on transcript NM_017617.5 (MANE Select); coding-DNA position 975, C replaced by T.
Protein change: p.Asn325=; no amino-acid change (asparagine 325 retained).
Molecular consequence: synonymous variant.
Genome position (GRCh38, 1-based): chr9:136,518,715, G>A on the plus strand (C>T on the coding strand, the complement: NOTCH1 is on the minus strand). VCF-style: chr9-136518715-G-A. GRCh37 (hg19) VCF-style: chr9-139413167-G-A.
Other names: c.975C>T, p.Asn325= (LRG_1122t1).
Identifiers: ClinVar variation 544197 (VCV000544197.36), dbSNP rs746111102, ClinGen allele CA5341966.

ClinVar aggregate classification (germline): Benign/Likely benign. Review status: criteria provided, multiple submitters, no conflicts (2 of 4 stars). 7 submissions from 6 submitters: Benign (2); Likely benign (5). Last evaluated 2025-09-19.

Conditions:
Familial thoracic aortic aneurysm and aortic dissection (TAAD). Also called: Thoracic aortic aneurysms and dissections. Identifiers: Orphanet 91387, MedGen C4707243, MONDO:0019625.
Connective tissue disorder. Also called: Connective tissue disease. Identifiers: MedGen C0009782, MONDO:0003900.
Aortic valve disease 1 (AOVD1). Identifiers: MedGen C3887892, MONDO:0024523, OMIM 109730.
Adams-Oliver syndrome 5 (AOS5). Identifiers: Orphanet 974, MedGen C4014970, MONDO:0014459, OMIM 616028.

Allele frequency attached by ClinVar (database versions not stated): gnomAD 0.00007 and 0.00006; ExAC 0.00003; TOPMed 0.00004; gnomAD exomes 0.00005 and 0.00006.
gnomAD v4.1: 99 of 1,612,894 alleles (0.0061%); highest among the groups gnomAD compares: South Asian, 0.021%; no homozygotes.

Submissions (7):

Labcorp Genetics (formerly Invitae), Labcorp
Classification: Likely benign for Adams-Oliver syndrome 5. Last evaluated: 2025-09-19. Review status: criteria provided, single submitter. Criteria: Invitae Variant Classification Sherloc (09022015). Collection method: clinical testing. Allele origin: germline.

Blueprint Genetics
Classification: Likely benign. Last evaluated: 2024-10-22. Review status: criteria provided, single submitter. Criteria: ACMG Guidelines, 2015. Collection method: clinical testing. Allele origin: germline.

CeGaT Center for Human Genetics Tuebingen
Classification: Likely benign. Last evaluated: 2023-07-01. Review status: criteria provided, single submitter. Criteria: CeGaT Center For Human Genetics Tuebingen Variant Classification Criteria Version 2. Collection method: clinical testing. Allele origin: germline. Affected: yes. Observed: 1 variant allele.
Comment: NOTCH1: BP4, BP7

Ambry Genetics
Classification: Likely benign for Familial thoracic aortic aneurysm and aortic dissection. Last evaluated: 2022-03-19. Review status: criteria provided, single submitter. Criteria: Ambry Variant Classification Scheme 2023. Collection method: clinical testing. Allele origin: germline.

Genome-Nilou Lab
Classification: Benign for Adams-Oliver syndrome 5. Last evaluated: 2022-03-15. Review status: criteria provided, single submitter. Criteria: ACMG Guidelines, 2015. Collection method: clinical testing. Allele origin: germline. Affected: no.

Genome-Nilou Lab
Classification: Benign for Aortic valve disease 1. Last evaluated: 2022-03-15. Review status: criteria provided, single submitter. Criteria: ACMG Guidelines, 2015. Collection method: clinical testing. Allele origin: germline. Affected: no.

Center for Human Genetics, Inc
Classification: Likely benign for Connective tissue disorder. Last evaluated: 2018-06-01. Review status: criteria provided, single submitter. Criteria: ACMG Guidelines, 2015. Collection method: clinical testing. Allele origin: germline. Affected: yes.